The following is an entry in ClinVar:

ClinVar aggregate classification (germline): Uncertain significance (1 of 4 stars; one submission).

Conditions:
Ehlers-Danlos syndrome, classic type, 1 (EDSCL1). Also called: EHLERS-DANLOS SYNDROME, GRAVIS TYPE; EHLERS-DANLOS SYNDROME, SEVERE CLASSIC TYPE; Ehlers-Danlos syndrome, type 1; Ehlers-Danlos Syndrome, Classic Type, COL5A1-Related; EDS I. Identifiers: MedGen C0268335, MONDO:0019567, OMIM 130000.
Osteogenesis imperfecta type I (OI1). Also called: OI, TYPE I; OSTEOGENESIS IMPERFECTA TARDA; OSTEOGENESIS IMPERFECTA WITH BLUE SCLERAE; Osteogenesis imperfecta type 1; Lobstein's Disease; Lobstein disease. Identifiers: Orphanet 216796, Orphanet 666, MedGen C0023931, MONDO:0008146, OMIM 166200. Disease mechanism: loss of function.

Submission:

Labcorp Genetics (formerly Invitae), Labcorp
Classification: Uncertain significance for Osteogenesis imperfecta type I; Ehlers-Danlos syndrome, classic type, 1. Last evaluated: 2023-01-12. Review status: criteria provided, single submitter. Criteria: Invitae Variant Classification Sherloc (09022015). Collection method: clinical testing. Allele origin: germline.
Comment: In summary, the available evidence is currently insufficient to determine the role of this variant in disease. Therefore, it has been classified as a Variant of Uncertain Significance. This variant has not been reported in the literature in individuals affected with COL1A2-related conditions. A copy number gain of the genomic region encompassing the full coding sequence of the COL1A2 gene has been identified. The boundaries of this event are unknown as they extend beyond the assayed region for this gene and therefore may encompass additional genes. As the precise location of this event is unknown, it may be in tandem or it may be located elsewhere in the genome.

NC_000007.13:g.(?_94024344)_(94059705_?)dup

Gene: COL1A2 (collagen type I alpha 2 chain; plus strand). Cytogenetic location: 7q21.3.
Variant type: Duplication.
Identifiers: ClinVar variation 1408969 (VCV001408969.7).